The following is an entry in ClinVar:

NM_015030.2(FRYL):c.1281A>G (p.Ile427Met)

Gene: FRYL (FRY like transcription coactivator; minus strand). Cytogenetic location: 4p11.
Variant type: single nucleotide variant.
Coding change: c.1281A>G on transcript NM_015030.2 (MANE Select); coding-DNA position 1281, A replaced by G.
Protein change: p.Ile427Met; replaces isoleucine 427 with methionine.
Molecular consequence: missense variant.
Genome position (GRCh38, 1-based): chr4:48,593,984, T>C on the plus strand (A>G on the coding strand, the complement: FRYL is on the minus strand). VCF-style: chr4-48593984-T-C. GRCh37 (hg19) VCF-style: chr4-48596001-T-C.
Other names: short protein forms I427M.
Identifiers: ClinVar variation 4278875 (VCV004278875.1).
Genomic context (GRCh38, chr4:48,593,984, plus strand): 5'-TTTTACCTCTGGATTAATGGTGAAAGTTTTAGTAGATTTTCCAACACTGAGAAGATCAAA[T>C]ATTATTTCTTTCATTGCAAAATCCAAGCGTTCCTTAAAAAAAAAAAAATCCTTATAACTT-3'
Protein context (NP_055845.1, residues 417-437): ERLDFAMKEI[Ile427Met]FDLLSVGKST

ClinVar aggregate classification (germline): Uncertain significance (1 of 4 stars; one submission).

Submission:

GeneDx
Classification: Uncertain significance. Last evaluated: 2025-04-03. Review status: criteria provided, single submitter. Criteria: GeneDx Variant Classification Process June 2021. Collection method: clinical testing. Allele origin: germline. Affected: yes.
Comment: Not observed at significant frequency in large population cohorts (gnomAD); In silico analysis indicates that this missense variant does not alter protein structure/function; Has not been previously published as pathogenic or benign to our knowledge